The following is an entry in ClinVar:

ClinVar aggregate classification (germline): Likely benign (1 of 4 stars; one submission).

gnomAD v4.1: 22 of 1,447,114 alleles (0.0015%); highest among the groups gnomAD compares: South Asian, 0.0028%; no homozygotes.

Submission:

Mayo Clinic Laboratories, Mayo Clinic
Classification: Likely benign. Last evaluated: 2025-09-22. Review status: criteria provided, single submitter. Criteria: ACMG Guidelines, 2015. Collection method: clinical testing. Allele origin: germline. Observed: 1 variant allele.
Comment: BP4

NM_173689.7(CRB2):c.3053C>T (p.Ala1018Val)

Gene: CRB2 (crumbs cell polarity complex component 2; plus strand). Cytogenetic location: 9q33.3.
Variant type: single nucleotide variant.
Coding change: c.3053C>T on transcript NM_173689.7 (MANE Select); coding-DNA position 3053, C replaced by T.
Protein change: p.Ala1018Val; replaces alanine 1018 with valine.
Molecular consequence: missense variant. On other transcripts: non-coding transcript variant (1).
Genome position (GRCh38, 1-based): chr9:123,373,584, C>T. VCF-style: chr9-123373584-C-T. GRCh37 (hg19) VCF-style: chr9-126135863-C-T.
Other names: p.Ala1018Val; short protein forms A1018V.
Identifiers: ClinVar variation 4683430 (VCV004683430.1).